The following is an entry in ClinVar:

NM_001267550.2(TTN):c.65194T>C (p.Phe21732Leu)

Genes: TTN (titin; minus strand), TTN-AS1 (TTN antisense RNA 1; plus strand). Cytogenetic location: 2q31.2.
Variant type: single nucleotide variant.
Coding change: c.65194T>C on transcript NM_001267550.2 (MANE Select); coding-DNA position 65194, T replaced by C.
Protein change: p.Phe21732Leu; replaces phenylalanine 21732 with leucine.
Molecular consequence: missense variant.
Genome position (GRCh38, 1-based): chr2:178,584,357, A>G on the plus strand (T>C on the coding strand, the complement: TTN is on the minus strand). VCF-style: chr2-178584357-A-G. GRCh37 (hg19) VCF-style: chr2-179449084-A-G.
Other names: c.57490T>C, p.Phe19164Leu (NM_133378.4); c.60271T>C, p.Phe20091Leu (NM_001256850.1); c.37999T>C, p.Phe12667Leu (NM_003319.4); c.38374T>C, p.Phe12792Leu (NM_133432.3); c.38575T>C, p.Phe12859Leu (NM_133437.4); short protein forms F21732L, F19164L, F12667L, F20091L, F12859L, F12792L.
Identifiers: ClinVar variation 47220 (VCV000047220.11), dbSNP rs397517661, ClinGen allele CA140381.

ClinVar aggregate classification (germline): Conflicting classifications of pathogenicity. Review status: criteria provided, conflicting classifications (1 of 4 stars). 5 submissions from 5 submitters: Uncertain significance (2); Likely benign (3). Last evaluated 2026-09-11.

Conditions:
TTN-related disorder. Also called: TTN-related condition; TTN-related disease; TTN-related disorders.
Cardiovascular phenotype. Identifiers: MedGen CN230736.

Allele frequency attached by ClinVar (database versions not stated): gnomAD below 0.00001 and 0.00003; TOPMed 0.00002; gnomAD exomes 0.00011 and 0.00026; ExAC 0.00029.
gnomAD v4.1: 171 of 1,612,936 alleles (0.011%); highest among the groups gnomAD compares: South Asian, 0.17%; 2 homozygotes.

Submissions (5):

PreventionGenetics, part of Exact Sciences
Classification: Likely benign for TTN-related condition. Last evaluated: 2026-09-11. Review status: criteria provided, single submitter. Criteria: ACMG Guidelines, 2015. Collection method: clinical testing. Allele origin: germline.
Comment: This variant is classified as likely benign based on ACMG/AMP sequence variant interpretation guidelines (Richards et al. 2015 PMID: 25741868, with internal and published modifications).

Blueprint Genetics
Classification: Likely benign. Last evaluated: 2024-11-18. Review status: criteria provided, single submitter. Criteria: ACMG Guidelines, 2015. Collection method: clinical testing. Allele origin: germline.

GeneDx
Classification: Likely benign. Last evaluated: 2021-01-26. Review status: criteria provided, single submitter. Criteria: GeneDx Variant Classification Process June 2021. Collection method: clinical testing. Allele origin: germline. Affected: yes.

Ambry Genetics
Classification: Uncertain significance for Cardiovascular phenotype. Last evaluated: 2013-03-11. Review status: criteria provided, single submitter. Criteria: Ambry Autosomal Dominant and X-Linked criteria (10/2015). Collection method: clinical testing. Allele origin: germline. Observed: 1 variant allele.
Comment: There is insufficient or conflicting evidence for classification of this alteration.

Laboratory for Molecular Medicine, Mass General Brigham Personalized Medicine
Classification: Uncertain significance. Last evaluated: 2012-01-12. Review status: criteria provided, single submitter. Criteria: LMM Criteria. Collection method: clinical testing. Allele origin: germline. Observed: 1 variant allele.
Comment: The Phe19164Leu variant (TTN) has not been reported in the literature nor previo usly identified by our laboratory. Phenylalanine (Phe) at position 19164 is high ly conserved across evolutionarily distant species, increasing the likelihood th at a change may affect protein function. Computational predictions on the impact to the protein are mixed (biochemical amino acid properties, AlignGVGD, SIFT), though the accuracy of these tools is unknown. Additional information is needed to fully assess the clinical significance of the Phe19164Leu variant.